The following is an entry in ClinVar:

ClinVar aggregate classification (germline): Uncertain significance (1 of 4 stars; one submission).

Submission:

Dasa
Classification: Uncertain significance. Last evaluated: 2024-09-15. Review status: criteria provided, single submitter. Criteria: DASA Assertion Criteria. Collection method: clinical testing. Allele origin: germline.
Comment: NM_001083962.2(TCF4):c.1634C>G (p.Thr545Ser) is a missense variant that results in the substitution of threonine with serine. This variant is absent from population databases. The currently available literature and clinical evidence are not sufficient to establish a definitive association between this variant and the reported condition. Therefore, this variant is classified as a variant of uncertain significance.

NM_001083962.2(TCF4):c.1634C>G (p.Thr545Ser)

Gene: TCF4 (transcription factor 4; minus strand). Cytogenetic location: 18q21.2.
Variant type: single nucleotide variant.
Coding change: c.1634C>G on transcript NM_001083962.2 (MANE Select); coding-DNA position 1634, C replaced by G.
Protein change: p.Thr545Ser; replaces threonine 545 with serine.
Molecular consequence: missense variant.
Genome position (GRCh38, 1-based): chr18:55,232,524, G>C on the plus strand (C>G on the coding strand, the complement: TCF4 is on the minus strand). VCF-style: chr18-55232524-G-C. GRCh37 (hg19) VCF-style: chr18-52899755-G-C.
Other names: c.1940C>G, p.Thr647Ser (NM_001243226.3); c.1562C>G, p.Thr521Ser (NM_001243227.2, NM_001306207.1, NM_001369575.1 and 5 more transcripts); c.1652C>G, p.Thr551Ser (NM_001243228.2); c.1625C>G, p.Thr542Ser (NM_001243230.2); c.1508C>G, p.Thr503Ser (NM_001243231.2, NM_001348211.2); c.1421C>G, p.Thr474Ser (NM_001243232.1, NM_001306208.1); c.1244C>G, p.Thr415Ser (NM_001243233.2, NM_001330605.3, NM_001348212.2 and 1 more transcripts); c.1154C>G, p.Thr385Ser (NM_001243234.2, NM_001243235.2, NM_001243236.2 and 1 more transcripts); and 6 more; short protein forms T545S, T415S, T521S, T542S, T384S, T385S, T329S, T474S.
Identifiers: ClinVar variation 4883504 (VCV004883504.2), dbSNP rs796053420.
Genomic context (GRCh38, chr18:55,232,524, plus strand): 5'-TCCAATAAAGGAATTAAATGAAGCGACAGTATTATATACTGTTACCTAGATCTTGACCTA[G>C]TAATTGATTTGATATCCTTCTTGTCGTCATCTAATTTCTTGTCCTCCGAAGATTTCGTGT-3'
Protein context (NP_001077431.1, residues 535-555): DDDKKDIKSI[Thr545Ser]RSRSSNNDDE